The following is an entry in ClinVar:

NM_001849.4(COL6A2):c.1992G>T (p.Gln664His)

Gene: COL6A2 (collagen type VI alpha 2 chain; plus strand). Cytogenetic location: 21q22.3.
Variant type: single nucleotide variant.
Coding change: c.1992G>T on transcript NM_001849.4 (MANE Select); coding-DNA position 1992, G replaced by T.
Protein change: p.Gln664His; replaces glutamine 664 with histidine.
Molecular consequence: missense variant.
Genome position (GRCh38, 1-based): chr21:46,125,807, G>T. VCF-style: chr21-46125807-G-T. GRCh37 (hg19) VCF-style: chr21-47545721-G-T.
Other names: c.1992G>T, p.Gln664His (NM_058174.3, NM_058175.3); short protein forms Q664H.
Identifiers: ClinVar variation 4744475 (VCV004744475.1).

ClinVar aggregate classification (germline): Uncertain significance (1 of 4 stars; one submission).

Conditions:
Bethlem myopathy 1A. Also called: MYOPATHY, BENIGN CONGENITAL, WITH CONTRACTURES; Bethlem myopathy 1; Bethlem Muscular Dystrophy. Identifiers: Orphanet 610, MedGen CN029274, MONDO:0024530, OMIM 158810.

Submission:

Labcorp Genetics (formerly Invitae), Labcorp
Classification: Uncertain significance for Bethlem myopathy 1A. Last evaluated: 2025-04-13. Review status: criteria provided, single submitter. Criteria: Invitae Variant Classification Sherloc (09022015). Collection method: clinical testing. Allele origin: germline.
Comment: This sequence change replaces glutamine, which is neutral and polar, with histidine, which is basic and polar, at codon 664 of the COL6A2 protein (p.Gln664His). This variant is not present in population databases (gnomAD no frequency). This variant has not been reported in the literature in individuals affected with COL6A2-related conditions. Invitae Evidence Modeling of protein sequence and biophysical properties (such as structural, functional, and spatial information, amino acid conservation, physicochemical variation, residue mobility, and thermodynamic stability) indicates that this missense variant is expected to disrupt COL6A2 protein function with a positive predictive value of 80%. In summary, the available evidence is currently insufficient to determine the role of this variant in disease. Therefore, it has been classified as a Variant of Uncertain Significance.